The following is an entry in ClinVar:

ClinVar aggregate classification (germline): Pathogenic. Review status: criteria provided, multiple submitters, no conflicts (2 of 4 stars). 16 submissions from 16 submitters: Pathogenic (10). 6 of the submissions do not count toward it. Last evaluated 2025-12-17.

Conditions:
TMEM237-related disorder. Also called: TMEM237-related condition.
Joubert syndrome and related disorders. Identifiers: Orphanet 140874, MedGen C5679612, MONDO:0015369.
Joubert syndrome 14 (JBTS14). Identifiers: MedGen C3280766, MONDO:0013745, OMIM 614424.
Joubert syndrome. Also called: Familial aplasia of the vermis; JOUBERT-BOLTSHAUSER SYNDROME. Identifiers: Orphanet 475, MedGen C5979921, MONDO:0018772.

Allele frequency attached by ClinVar (database versions not stated): TOPMed 0.00004; gnomAD 0.00006; gnomAD exomes 0.00006 and 0.00007; ExAC 0.00008.
gnomAD v4.1: 115 of 1,602,646 alleles (0.0072%); highest among the groups gnomAD compares: Non-Finnish European, 0.0094%; no homozygotes.

Submissions (16):

Labcorp Genetics (formerly Invitae), Labcorp
Classification: Pathogenic for Joubert syndrome 14. Last evaluated: 2025-12-17. Review status: criteria provided, single submitter. Criteria: Invitae Variant Classification Sherloc (09022015). Collection method: clinical testing. Allele origin: germline.
Comment: This sequence change creates a premature translational stop signal (p.Arg18*) in the TMEM237 gene. It is expected to result in an absent or disrupted protein product. Loss-of-function variants in TMEM237 are known to be pathogenic (PMID: 22152675). This variant is present in population databases (rs199469707, gnomAD 0.01%). This premature translational stop signal has been observed in individuals with Joubert syndrome (PMID: 22152675, 22981120). It is commonly reported in individuals of Hutterite ancestry (PMID: 22152675, 22981120). ClinVar contains an entry for this variant (Variation ID: 31180). For these reasons, this variant has been classified as Pathogenic.

GeneDx
Classification: Pathogenic. Last evaluated: 2024-04-25. Review status: criteria provided, single submitter. Criteria: GeneDx Variant Classification Process June 2021. Collection method: clinical testing. Allele origin: germline. Affected: yes.
Comment: Nonsense variant predicted to result in protein truncation or nonsense mediated decay in a gene for which loss of function is a known mechanism of disease; Not observed at significant frequency in large population cohorts (gnomAD); This variant is associated with the following publications: (PMID: 31589614, 31964843, 36788019, 22981120, 27247959, 25697177, 22152675, 31019026)

Blueprint Genetics
Classification: Pathogenic for TMEM237-related disorders. Last evaluated: 2024-04-19. Review status: criteria provided, single submitter. Criteria: ACMG Guidelines, 2015. Collection method: clinical testing. Allele origin: germline. Affected: yes. Observed: 5 variant alleles.

Fulgent Genetics
Classification: Pathogenic for Joubert syndrome 14. Last evaluated: 2023-12-21. Review status: criteria provided, single submitter. Criteria: ACMG Guidelines, 2015. Collection method: clinical testing. Allele origin: germline.

Women's Health and Genetics/Laboratory Corporation of America, LabCorp
Classification: Pathogenic for Joubert syndrome and related disorders. Last evaluated: 2022-05-06. Review status: criteria provided, single submitter. Criteria: LabCorp Variant Classification Summary - May 2015. Collection method: clinical testing. Allele origin: germline.
Comment: Variant summary: TMEM237 c.52C>T (p.Arg18X) results in a premature termination codon, predicted to cause a truncation of the encoded protein or absence of the protein due to nonsense mediated decay, which are commonly known mechanisms for disease. Truncations downstream of this position have been classified as pathogenic within ClinVar. The variant allele was found at a frequency of 6.1e-05 in 247028 control chromosomes (gnomAD). This frequency is not significantly higher than expected for a pathogenic variant in TMEM237 causing Joubert Syndrome And Related Disorders (6.1e-05 vs 0.0004), allowing no conclusion about variant significance. The variant was found at an 8% carrier frequency rate within the Hutterite communities of Canada and the Northern United States, indicating a founder effect for the variant. Subsequently, c.52C>T has been reported in the literature in multiple homozygous individuals affected with Joubert Syndrome And Related Disorders from Hutterite communities (Huang_2011). The variant was also found in at least one compound heterozygous, presumably non-Hutterite individual (Clark_2019). These data indicate that the variant is very likely to be associated with disease. Huang_2011 has shown that fibroblasts homozygous for the variant have defects in ciliogenesis with no detectable ciliated cells as seen via microscopy. Huang_2011 also showed that the variant causes large reductions (98%) in TMEM237 transcripts and fibroblasts with the variant had dysregulated Wnt signaling. Three ClinVar submitters have assessed the variant since 2014: all three classified the variant as pathogenic. Based on the evidence outlined above, the variant was classified as pathogenic.

Molecular Genetics, Royal Melbourne Hospital
Classification: Pathogenic for Joubert syndrome 14. Last evaluated: 2022-04-22. Review status: criteria provided, single submitter. Criteria: ACMG Guidelines, 2015. Collection method: clinical testing. Allele origin: germline. Affected: yes.
Comment: This sequence change creates a premature termination codon at position 18 in exon 2 (of 13) of TMEM237 ,p.(Arg18*). It is expected to result in an absent or disrupted protein product, and loss of function is the established mechanism of disease for this gene (PMID: 22152675). The variant is present in a large population cohort at a frequency of 0.006%, which is consistent with a recessive condition (rs199469707, 16/278,360 alleles, 0 homozygotes in gnomAD v2.1). The variant has been identified in individuals with Joubert syndrome, and segregates with the condition in the homozygous state in multiple related Canadian Hutterite families. Fibroblast cell lines from homozygous cases show loss of TMEM237 expression, and defective ciliogenesis and pairing of centrioles (PMID: 22152675). Based on the classification scheme RMH Modified ACMG Guidelines v1.4.0, this variant is classified as PATHOGENIC. Following criteria are met: PVS1, PP1_Strong, PM2_Supporting, PP4.

Victorian Clinical Genetics Services, Murdoch Childrens Research Institute
Classification: Pathogenic for Joubert syndrome 14. Last evaluated: 2022-02-02. Review status: criteria provided, single submitter. Criteria: ACMG Guidelines, 2015. Collection method: clinical testing. Allele origin: germline. Inheritance: Autosomal recessive inheritance.
Comment: Based on the classification scheme VCGS_Germline_v1.3.4, this variant is classified as Pathogenic. Following criteria are met: 0102 - Loss of function is a known mechanism of disease in this gene and is associated with Joubert syndrome 14 (MIM#614424). (I) 0106 - This gene is associated with autosomal recessive disease. (I) 0201 - Variant is predicted to cause nonsense-mediated decay (NMD) and loss of protein (premature termination codon is located at least 54 nucleotides upstream of the final exon-exon junction). (SP) 0251 - This variant is heterozygous. (I) 0304 - Variant is present in gnomAD (v2) <0.01 for a recessive condition (16 heterozygotes, 0 homozygotes). (SP) 0701 - Other premature termination variants comparable to the one identified in this case have very strong previous evidence for pathogenicity. Many NMD-predicted variants in this gene have been reported as likely pathogenic/pathogenic (ClinVar). (SP) 0802 - This variant has moderate previous evidence of pathogenicity in unrelated individuals. It has been reported as homozygous in many related Hutterite individuals with severe Joubert syndrome related disorder (PMIDs: 17603801, 22152675). It has been described as a founder variant in Hutterite individuals (PMID: 31710777). It has also been reported as pathogenic in ClinVar, however ethnicity of those individuals were not provided. (SP) 1001 - This variant has strong functional evidence supporting abnormal protein function. Functional studies using patient fibroblast line showed defective ciliogenesis and pairing of centrioles, and reduced TMEM237 expression level (PMID: 22152675). (I) Legend: (SP) - Supporting pathogenic, (I) - Information, (SB) - Supporting benign

Revvity Omics, Revvity
Classification: Pathogenic for Joubert syndrome 14. Last evaluated: 2021-12-29. Review status: criteria provided, single submitter. Criteria: ACMG Guidelines, 2015. Collection method: clinical testing. Allele origin: germline.

Rady Children's Institute for Genomic Medicine, Rady Children's Hospital San Diego
Classification: Pathogenic for JOUBERT SYNDROME 14. Last evaluated: 2018-05-04. Review status: criteria provided, single submitter. Criteria: ACMG Guidelines, 2015. Collection method: clinical testing. Allele origin: germline. Affected: yes. Observed: 1 variant allele.
Comment: This nonsense variant found in exon 2 of 13 is predicted to result in loss of normal protein function. This variant has been previously reported as a homozygous change in ten Canadian Hutterite patients with intellectual disability, a characteristic facial appearance, encephalocele, coloboma, renal disease, and additional features consistent with a diagnosis of a Joubert syndrome related disorder (PMID: 22152675, 17603801). The variant is present in the heterozygous state in the gnomAD population database at a frequency of 0.005% (15/275258) and thus is presumed to be rare. Based on the available evidence, c.52C>T (p.Arg18Ter) variant is classified as pathogenic.

Institute for Medical Genetics and Human Genetics, Charité - Universitätsmedizin Berlin
Classification: Pathogenic. Review status: criteria provided, single submitter. Criteria: ACMG Guidelines, 2015. Collection method: not provided. Allele origin: germline. Affected: yes.

PreventionGenetics, part of Exact Sciences
Classification: Pathogenic for TMEM237-related condition. Last evaluated: 2024-03-19. Review status: no assertion criteria provided. Collection method: clinical testing. Allele origin: germline. Not counted in ClinVar's aggregate classification.
Comment: The TMEM237 c.52C>T variant is predicted to result in premature protein termination (p.Arg18*). This variant is documented as causative for Joubert syndrome (Huang et al. 2011. PubMed ID: 22152675). Approximately 6% of Canadian Hutterites are carriers for this pathogenic variant (Huang et al. 2011. PubMed ID: 22152675). This variant is reported in 0.012% of alleles in individuals of European (Non-Finnish) descent in gnomAD. Nonsense variants in TMEM237 are expected to be pathogenic. This variant is interpreted as pathogenic.

OMIM
Classification: Pathogenic for JOUBERT SYNDROME 14. Last evaluated: 2012-10-05. Review status: no assertion criteria provided. Collection method: literature only. Allele origin: germline. Not counted in ClinVar's aggregate classification.

GeneReviews
Classification: Pathogenic for Joubert Syndrome and Related Disorders. Last evaluated: 2012-03-29. Review status: no assertion criteria provided. Collection method: curation. Allele origin: unknown. Not counted in ClinVar's aggregate classification.
ClinVar note: Converted during submission from pathologic to Pathogenic.

Clinical Genetics DNA and cytogenetics Diagnostics Lab, Erasmus MC, Erasmus Medical Center
Classification: Pathogenic. Review status: no assertion criteria provided. Collection method: clinical testing. Allele origin: germline. Affected: yes. Study: VKGL Data-share Consensus. Not counted in ClinVar's aggregate classification.

Genome Diagnostics Laboratory, University Medical Center Utrecht
Classification: Pathogenic. Review status: no assertion criteria provided. Collection method: clinical testing. Allele origin: germline. Affected: yes. Study: VKGL Data-share Consensus. Not counted in ClinVar's aggregate classification.

Joint Genome Diagnostic Labs from Nijmegen and Maastricht, Radboudumc and MUMC+
Classification: Pathogenic. Review status: no assertion criteria provided. Collection method: clinical testing. Allele origin: germline. Affected: yes. Study: VKGL Data-share Consensus. Not counted in ClinVar's aggregate classification.

Literature cited by the submitters: PubMed 22152675 (cited by 5 submitters); PubMed 22981120 (cited by 3 submitters); PubMed 31019026 (cited by Women's Health and Genetics/Laboratory Corporation of America, LabCorp); PubMed 17603801 (cited by Victorian Clinical Genetics Services, Murdoch Childrens Research Institute and OMIM); PubMed 31710777 (cited by Victorian Clinical Genetics Services, Murdoch Childrens Research Institute).

NM_001044385.3(TMEM237):c.52C>T (p.Arg18Ter)

Gene: TMEM237 (transmembrane protein 237; minus strand). Cytogenetic location: 2q33.1.
Variant type: single nucleotide variant.
Coding change: c.52C>T on transcript NM_001044385.3 (MANE Select); coding-DNA position 52, C replaced by T.
Protein change: p.Arg18Ter; replaces arginine 18 with a stop codon.
Molecular consequence: nonsense.
Genome position (GRCh38, 1-based): chr2:201,640,915, G>A on the plus strand (C>T on the coding strand, the complement: TMEM237 is on the minus strand). VCF-style: chr2-201640915-G-A. GRCh37 (hg19) VCF-style: chr2-202505638-G-A.
Other names: TMEM237, ARG18TER (rs199469707); c.52C>T; c.28C>T, p.Arg10Ter (NM_152388.4); short protein forms R18*, R10*.
Identifiers: ClinVar variation 31180 (VCV000031180.30), dbSNP rs199469707, ClinGen allele CA260000.